The following is an entry in ClinVar:

ClinVar aggregate classification (germline): Uncertain significance. Review status: criteria provided, single submitter (1 of 4 stars). 2 submissions from 2 submitters: Uncertain significance (1). 1 of the submissions does not count toward it. Last evaluated 2022-02-24.

Conditions:
Tuberous sclerosis 2 (TSC2). Identifiers: Orphanet 805, MedGen C1860707, MONDO:0013199, OMIM 613254.
Tuberous sclerosis syndrome (TSC). Also called: Tuberous Sclerosis Complex; Tuberous sclerosis. Identifiers: Orphanet 805, MedGen C0041341, MONDO:0001734.

Submissions (2):

Labcorp Genetics (formerly Invitae), Labcorp
Classification: Uncertain significance for Tuberous sclerosis 2. Last evaluated: 2022-02-24. Review status: criteria provided, single submitter. Criteria: Invitae Variant Classification Sherloc (09022015). Collection method: clinical testing. Allele origin: germline.
Comment: This sequence change replaces threonine, which is neutral and polar, with proline, which is neutral and non-polar, at codon 1203 of the TSC2 protein (p.Thr1203Pro). In summary, the available evidence is currently insufficient to determine the role of this variant in disease. Therefore, it has been classified as a Variant of Uncertain Significance. Algorithms developed to predict the effect of missense changes on protein structure and function are either unavailable or do not agree on the potential impact of this missense change (SIFT: "Deleterious"; PolyPhen-2: "Probably Damaging"; Align-GVGD: "Class C0"). ClinVar contains an entry for this variant (Variation ID: 65354). This variant has not been reported in the literature in individuals affected with TSC2-related conditions. This variant is not present in population databases (gnomAD no frequency).

Tuberous sclerosis database (TSC2)
No classification provided. Condition: TSC. Review status: no classification provided. Criteria: Tuberous Sclerosis Database Assertion Criteria 2015. Collection method: curation. Allele origin: germline. Affected: yes. Not counted in ClinVar's aggregate classification.

NM_000548.5(TSC2):c.3607A>C (p.Thr1203Pro)

Gene: TSC2 (TSC complex subunit 2; plus strand). Cytogenetic location: 16p13.3.
Variant type: single nucleotide variant.
Coding change: c.3607A>C on transcript NM_000548.5 (MANE Select); coding-DNA position 3607, A replaced by C.
Protein change: p.Thr1203Pro; replaces threonine 1203 with proline.
Molecular consequence: missense variant.
Genome position (GRCh38, 1-based): chr16:2,080,374, A>C. VCF-style: chr16-2080374-A-C. GRCh37 (hg19) VCF-style: chr16-2130375-A-C.
Other names: c.3475A>C, p.Thr1159Pro (NM_001077183.3, NM_001370404.1); c.3607A>C, p.Thr1203Pro (NM_001114382.3); c.3367A>C, p.Thr1123Pro (NM_001318827.2); c.3331A>C, p.Thr1111Pro (NM_001318829.2); c.2875A>C, p.Thr959Pro (NM_001318831.2); c.3508A>C, p.Thr1170Pro (NM_001318832.2); c.3478A>C, p.Thr1160Pro (NM_001363528.2, NM_001370405.1, NM_021055.3); short protein forms T1203P, T1160P, T1159P, T959P, T1111P, T1170P, T1123P.
Identifiers: ClinVar variation 65354 (VCV000065354.7), dbSNP rs397515265, ClinGen allele CA019333.